The following is an entry in ClinVar:

ClinVar aggregate classification (germline): Uncertain significance (1 of 4 stars; one submission).

Conditions:
Emery-Dreifuss muscular dystrophy 5, autosomal dominant (EDMD5). Also called: EMERY-DREIFUSS MUSCULAR DYSTROPHY 5. Identifiers: Orphanet 261, MedGen C2751805, MONDO:0013072, OMIM 612999.

Allele frequency attached by ClinVar (database versions not stated): gnomAD exomes below 0.00001; ExAC 0.00001.
gnomAD v4.1: 1 of 1,613,426 alleles (0.000062%); highest among the groups gnomAD compares: South Asian, 0.0011%; no homozygotes.

Submission:

Labcorp Genetics (formerly Invitae), Labcorp
Classification: Uncertain significance for Emery-Dreifuss muscular dystrophy 5, autosomal dominant. Last evaluated: 2018-10-07. Review status: criteria provided, single submitter. Criteria: Invitae Variant Classification Sherloc (09022015). Collection method: clinical testing. Allele origin: germline.
Comment: This sequence change replaces leucine with arginine at codon 1473 of the SYNE2 protein (p.Leu1473Arg). The leucine residue is weakly conserved and there is a moderate physicochemical difference between leucine and arginine. This variant is present in population databases (rs772693998, ExAC 0.006%). This variant has not been reported in the literature in individuals with SYNE2-related disease. Algorithms developed to predict the effect of missense changes on protein structure and function are either unavailable or do not agree on the potential impact of this missense change (SIFT: "Deleterious"; PolyPhen-2: "Probably Damaging"; Align-GVGD: "Class C0"). In summary, the available evidence is currently insufficient to determine the role of this variant in disease. Therefore, it has been classified as a Variant of Uncertain Significance.

NM_182914.3(SYNE2):c.4418T>G (p.Leu1473Arg)

Gene: SYNE2 (spectrin repeat containing nuclear envelope protein 2; plus strand). Cytogenetic location: 14q23.2.
Variant type: single nucleotide variant.
Coding change: c.4418T>G on transcript NM_182914.3 (MANE Select); coding-DNA position 4418, T replaced by G.
Protein change: p.Leu1473Arg; replaces leucine 1473 with arginine.
Molecular consequence: missense variant.
Genome position (GRCh38, 1-based): chr14:64,007,063, T>G. VCF-style: chr14-64007063-T-G. GRCh37 (hg19) VCF-style: chr14-64473781-T-G.
Other names: c.4418T>G, p.Leu1473Arg (NM_015180.6); short protein forms L1473R.
Identifiers: ClinVar variation 646319 (VCV000646319.8), dbSNP rs772693998, ClinGen allele CA7220215.